The following is an entry in ClinVar:

NM_005228.5(EGFR):c.1427A>G (p.Asn476Ser)

Gene: EGFR (epidermal growth factor receptor; plus strand). Cytogenetic location: 7p11.2.
Variant type: single nucleotide variant.
Coding change: c.1427A>G on transcript NM_005228.5 (MANE Select); coding-DNA position 1427, A replaced by G.
Protein change: p.Asn476Ser; replaces asparagine 476 with serine.
Molecular consequence: missense variant.
Genome position (GRCh38, 1-based): chr7:55,160,267, A>G. VCF-style: chr7-55160267-A-G. GRCh37 (hg19) VCF-style: chr7-55227960-A-G.
Other names: c.1292A>G, p.Asn431Ser (NM_001346897.2, NM_001346899.2); c.1427A>G, p.Asn476Ser (NM_001346898.2, NM_201282.2, NM_201284.2); c.1268A>G, p.Asn423Ser (NM_001346900.2); c.626A>G, p.Asn209Ser (NM_001346941.2); short protein forms N209S, N431S, N476S, N423S.
Identifiers: ClinVar variation 934421 (VCV000934421.8), dbSNP rs746521110, ClinGen allele CA4265573.
Genomic context (GRCh38, chr7:55,160,267, plus strand): 5'-TAAGTGATGGAGATGTGATAATTTCAGGAAACAAAAATTTGTGCTATGCAAATACAATAA[A>G]CTGGAAAAAACTGTTTGGGACCTCCGGTCAGAAAACCAAAATTATAAGCAACAGAGGTGA-3'
Protein context (NP_005219.2, residues 466-486): NKNLCYANTI[Asn476Ser]WKKLFGTSGQ

ClinVar aggregate classification (germline): Conflicting classifications of pathogenicity. Review status: criteria provided, conflicting classifications (1 of 4 stars). 2 submissions from 2 submitters: Uncertain significance (1); Likely benign (1). Last evaluated 2026-01-26.

Conditions:
EGFR-related lung cancer (EGFR). Identifiers: MedGen CN130014.
Hereditary cancer-predisposing syndrome. Also called: Neoplastic Syndromes, Hereditary; Hereditary Cancer Syndrome; Hereditary neoplastic syndrome; Tumor predisposition. Identifiers: Orphanet 140162, MedGen C0027672, MeSH D009386, MONDO:0015356.

Allele frequency attached by ClinVar (database versions not stated): gnomAD 0.00001; ExAC 0.00002; gnomAD exomes 0.00002; TOPMed 0.00002.
gnomAD v4.1: 31 of 1,613,958 alleles (0.0019%); highest among the groups gnomAD compares: Non-Finnish European, 0.0023%; no homozygotes.

Submissions (2):

Labcorp Genetics (formerly Invitae), Labcorp
Classification: Uncertain significance for EGFR-related lung cancer. Last evaluated: 2026-01-26. Review status: criteria provided, single submitter. Criteria: Invitae Variant Classification Sherloc (09022015). Collection method: clinical testing. Allele origin: germline.
Comment: This sequence change replaces asparagine, which is neutral and polar, with serine, which is neutral and polar, at codon 476 of the EGFR protein (p.Asn476Ser). This variant is present in population databases (rs746521110, gnomAD 0.004%). This variant has not been reported in the literature in individuals affected with EGFR-related conditions. ClinVar contains an entry for this variant (Variation ID: 934421). An algorithm developed to predict the effect of missense changes on protein structure and function outputs the following: PolyPhen-2: "Benign". The serine amino acid residue is found in multiple mammalian species, which suggests that this missense change does not adversely affect protein function. In summary, the available evidence is currently insufficient to determine the role of this variant in disease. Therefore, it has been classified as a Variant of Uncertain Significance.

Ambry Genetics
Classification: Likely benign for Hereditary cancer-predisposing syndrome. Last evaluated: 2024-12-23. Review status: criteria provided, single submitter. Criteria: Ambry Variant Classification Scheme 2023. Collection method: clinical testing. Allele origin: germline.